The following is an entry in ClinVar:

NM_153252.5(BRWD3):c.180G>C (p.Leu60=)

Gene: BRWD3 (bromodomain and WD repeat domain containing 3; minus strand). Cytogenetic location: Xq21.1.
Variant type: single nucleotide variant.
Coding change: c.180G>C on transcript NM_153252.5 (MANE Select); coding-DNA position 180, G replaced by C.
Protein change: p.Leu60=; no amino-acid change (leucine 60 retained).
Molecular consequence: synonymous variant.
Genome position (GRCh38, 1-based): chrX:80,808,539, C>G on the plus strand (G>C on the coding strand, the complement: BRWD3 is on the minus strand). VCF-style: chrX-80808539-C-G. GRCh37 (hg19) VCF-style: chrX-80064038-C-G.
Other names: c.180G>C, p.Leu60= (NM_001441339.1).
Identifiers: ClinVar variation 4888030 (VCV004888030.2).

ClinVar aggregate classification (germline): Uncertain significance. Review status: criteria provided, multiple submitters, no conflicts (2 of 4 stars). 2 submissions from 2 submitters: Uncertain significance (2). Last evaluated 2026-02-21.

gnomAD v4.1: 1 of 1,207,189 alleles (0.000083%); highest among the groups gnomAD compares: South Asian, 0.0018%; no homozygotes.

Submissions (2):

GeneDx
Classification: Uncertain significance. Last evaluated: 2026-02-21. Review status: criteria provided, single submitter. Criteria: GeneDx Variant Classification Process June 2021. Collection method: clinical testing. Allele origin: germline.
Comment: Has not been previously published as pathogenic or benign to our knowledge; Not observed at significant frequency in large population cohorts (gnomAD); In silico analysis suggests that this variant does not alter splicing

Blueprint Genetics
Classification: Uncertain significance. Last evaluated: 2024-09-13. Review status: criteria provided, single submitter. Criteria: ACMG Guidelines, 2015. Collection method: clinical testing. Allele origin: germline.